The following is an entry in ClinVar:

ClinVar aggregate classification (germline): Uncertain significance (1 of 4 stars; one submission).

gnomAD v4.1: 3 of 1,612,622 alleles (0.00019%); highest among the groups gnomAD compares: Non-Finnish European, 0.00025%; no homozygotes.

Submission:

Ambry Genetics
Classification: Uncertain significance. Last evaluated: 2024-09-01. Review status: criteria provided, single submitter. Criteria: Ambry Variant Classification Scheme 2023. Collection method: clinical testing. Allele origin: germline.
Comment: The p.S16T variant (also known as c.46T>A), located in coding exon 1 of the ALPK2 gene, results from a T to A substitution at nucleotide position 46. The serine at codon 16 is replaced by threonine, an amino acid with similar properties. This amino acid position is conserved. In addition, this alteration is predicted to be tolerated by in silico analysis. Since supporting evidence is limited at this time, the clinical significance of this alteration remains unclear.

NM_052947.4(ALPK2):c.46T>A (p.Ser16Thr)

Gene: ALPK2 (alpha kinase 2; minus strand). Cytogenetic location: 18q21.32.
Variant type: single nucleotide variant.
Coding change: c.46T>A on transcript NM_052947.4 (MANE Select); coding-DNA position 46, T replaced by A.
Protein change: p.Ser16Thr; replaces serine 16 with threonine.
Molecular consequence: missense variant.
Genome position (GRCh38, 1-based): chr18:58,611,752, A>T on the plus strand (T>A on the coding strand, the complement: ALPK2 is on the minus strand). VCF-style: chr18-58611752-A-T. GRCh37 (hg19) VCF-style: chr18-56278984-A-T.
Other names: short protein forms S16T.
Identifiers: ClinVar variation 1742548 (VCV001742548.3), dbSNP rs2052132785, ClinGen allele CA402558092.